The following is an entry in ClinVar:

ClinVar aggregate classification (germline): Uncertain significance (1 of 4 stars; one submission).

Submission:

Labcorp Genetics (formerly Invitae), Labcorp
Classification: Uncertain significance. Last evaluated: 2025-07-07. Review status: criteria provided, single submitter. Criteria: Invitae Variant Classification Sherloc (09022015). Collection method: clinical testing. Allele origin: germline.
Comment: This sequence change replaces methionine, which is neutral and non-polar, with threonine, which is neutral and polar, at codon 90 of the ATOH7 protein (p.Met90Thr). This variant is not present in population databases (gnomAD no frequency). This variant has not been reported in the literature in individuals affected with ATOH7-related conditions. ClinVar contains an entry for this variant (Variation ID: 1361568). An algorithm developed to predict the effect of missense changes on protein structure and function (PolyPhen-2) suggests that this variant is likely to be tolerated. In summary, the available evidence is currently insufficient to determine the role of this variant in disease. Therefore, it has been classified as a Variant of Uncertain Significance.

NM_145178.4(ATOH7):c.269T>C (p.Met90Thr)

Gene: ATOH7 (atonal bHLH transcription factor 7; minus strand). Cytogenetic location: 10q21.3.
Variant type: single nucleotide variant.
Coding change: c.269T>C on transcript NM_145178.4 (MANE Select); coding-DNA position 269, T replaced by C.
Protein change: p.Met90Thr; replaces methionine 90 with threonine.
Molecular consequence: missense variant.
Genome position (GRCh38, 1-based): chr10:68,231,409, A>G on the plus strand (T>C on the coding strand, the complement: ATOH7 is on the minus strand). VCF-style: chr10-68231409-A-G. GRCh37 (hg19) VCF-style: chr10-69991166-A-G.
Other names: short protein forms M90T.
Identifiers: ClinVar variation 1361568 (VCV001361568.6), dbSNP rs2134380372, ClinGen allele CA376835809.